The following is an entry in ClinVar:

NM_001849.4(COL6A2):c.1312G>A (p.Asp438Asn)

Gene: COL6A2 (collagen type VI alpha 2 chain; plus strand). Cytogenetic location: 21q22.3.
Variant type: single nucleotide variant.
Coding change: c.1312G>A on transcript NM_001849.4 (MANE Select); coding-DNA position 1312, G replaced by A.
Protein change: p.Asp438Asn; replaces aspartic acid 438 with asparagine.
Molecular consequence: missense variant.
Genome position (GRCh38, 1-based): chr21:46,119,830, G>A. VCF-style: chr21-46119830-G-A. GRCh37 (hg19) VCF-style: chr21-47539744-G-A.
Other names: c.1312G>A, p.Asp438Asn (NM_058174.3, NM_058175.3); short protein forms D438N.
Identifiers: ClinVar variation 284090 (VCV000284090.20), dbSNP rs202039679, ClinGen allele CA10071824.

ClinVar aggregate classification (germline): Uncertain significance. Review status: criteria provided, multiple submitters, no conflicts (2 of 4 stars). 5 submissions from 5 submitters: Uncertain significance (5). Last evaluated 2025-05-05.

Conditions:
Collagen 6-related myopathy. Identifiers: MedGen CN117976, MONDO:0100225.
Bethlem myopathy 1A. Also called: Bethlem myopathy 1; MYOPATHY, BENIGN CONGENITAL, WITH CONTRACTURES; Bethlem Muscular Dystrophy. Identifiers: Orphanet 610, MedGen CN029274, MONDO:0024530, OMIM 158810.

Allele frequency attached by ClinVar (database versions not stated): gnomAD exomes 0.00002 and 0.00004; TOPMed 0.00003; ExAC 0.00004; gnomAD 0.00004.
gnomAD v4.1: 36 of 1,562,110 alleles (0.0023%); highest among the groups gnomAD compares: South Asian, 0.0035%; no homozygotes.

Submissions (5):

Labcorp Genetics (formerly Invitae), Labcorp
Classification: Uncertain significance for Bethlem myopathy 1A. Last evaluated: 2025-05-05. Review status: criteria provided, single submitter. Criteria: Invitae Variant Classification Sherloc (09022015). Collection method: clinical testing. Allele origin: germline.
Comment: This sequence change replaces aspartic acid, which is acidic and polar, with asparagine, which is neutral and polar, at codon 438 of the COL6A2 protein (p.Asp438Asn). The frequency data for this variant in the population databases is considered unreliable, as metrics indicate poor data quality at this position in the gnomAD database. This missense change has been observed in individual(s) with clinical features of COL6A2-related conditions (PMID: 31069529). ClinVar contains an entry for this variant (Variation ID: 284090). Invitae Evidence Modeling of protein sequence and biophysical properties (such as structural, functional, and spatial information, amino acid conservation, physicochemical variation, residue mobility, and thermodynamic stability) indicates that this missense variant is not expected to disrupt COL6A2 protein function with a negative predictive value of 80%. In summary, the available evidence is currently insufficient to determine the role of this variant in disease. Therefore, it has been classified as a Variant of Uncertain Significance.

Revvity Omics, Revvity
Classification: Uncertain significance. Last evaluated: 2022-06-13. Review status: criteria provided, single submitter. Criteria: ACMG Guidelines, 2015. Collection method: clinical testing. Allele origin: germline.

GeneDx
Classification: Uncertain significance. Last evaluated: 2020-07-14. Review status: criteria provided, single submitter. Criteria: GeneDx Variant Classification Process June 2021. Collection method: clinical testing. Allele origin: germline. Affected: yes.
Comment: In silico analysis supports that this missense variant does not alter protein structure/function; Has not been previously published as pathogenic or benign to our knowledge

Illumina Laboratory Services, Illumina
Classification: Uncertain significance for Collagen VI-related myopathy. Last evaluated: 2018-01-13. Review status: criteria provided, single submitter. Criteria: ICSL Variant Classification Criteria 13 December 2019. Collection method: clinical testing. Allele origin: germline.

Eurofins Ntd Llc (ga)
Classification: Uncertain significance. Last evaluated: 2015-10-28. Review status: criteria provided, single submitter. Criteria: EGL Classification Definitions 2015. Collection method: clinical testing. Allele origin: germline. Observed: 1 variant allele, 1 heterozygote.

Literature cited by the submitters: PubMed 31069529 (cited by Labcorp Genetics (formerly Invitae), Labcorp).